The following is an entry in ClinVar:

NM_024426.6(WT1):c.232G>A (p.Val78Met)

Genes: WT1 (WT1 transcription factor; minus strand), LOC107982234 (WT1/WT1-AS bi-directional promoter region; plus strand). Cytogenetic location: 11p13.
Variant type: single nucleotide variant.
Coding change: c.232G>A on transcript NM_024426.6 (MANE Select); coding-DNA position 232, G replaced by A.
Protein change: p.Val78Met; replaces valine 78 with methionine.
Molecular consequence: missense variant. On other transcripts: non-coding transcript variant (1).
Genome position (GRCh38, 1-based): chr11:32,435,129, C>T on the plus strand (G>A on the coding strand, the complement: WT1 is on the minus strand). VCF-style: chr11-32435129-C-T. GRCh37 (hg19) VCF-style: chr11-32456675-C-T.
Other names: c.232G>A, p.Val78Met (NM_000378.6, NM_024424.5); short protein forms V78M.
Identifiers: ClinVar variation 654910 (VCV000654910.10), dbSNP rs1590410789, ClinGen allele CA379966106.
Genomic context (GRCh38, chr11:32,435,129, plus strand): 5'-CACAGCCGCCGCCGCCACCCAGGGAGGGGACGGCGGGCAGCAGCGCGTTCAGGTCCCGCA[C>T]GTCGGAGCCCATTTGCTGCGGCTCAGACCCGGACGCCCCGCGGCTCCTCCGGCCCTGGAG-3'
Protein context (NP_077744.4, residues 68-88): GSEPQQMGSD[Val78Met]RDLNALLPAV

ClinVar aggregate classification (germline): Uncertain significance. Review status: criteria provided, multiple submitters, no conflicts (2 of 4 stars). 2 submissions from 2 submitters: Uncertain significance (2). Last evaluated 2026-08-19.

Conditions:
Wilms tumor 1 (WT1). Also called: Wilms tumor, somatic. Identifiers: Orphanet 654, MedGen CN033288, MONDO:0008679, OMIM 194070.
11p partial monosomy syndrome (WAGR). Also called: WAGR syndrome; WAGR Spectrum Disorder; WAGR Complex; CHROMOSOME 11p13 DELETION SYNDROME. Identifiers: Orphanet 893, MedGen C0206115, MONDO:0008681, OMIM 194072.
Drash syndrome (DDS). Also called: NEPHROPATHY, WILMS TUMOR, AND GENITAL ANOMALIES; WILMS TUMOR AND PSEUDO- OR TRUE HERMAPHRODITISM. Identifiers: Orphanet 220, MedGen C0950121, MONDO:0008682, OMIM 194080.
Frasier syndrome. Identifiers: Orphanet 347, MedGen C0950122, MeSH D052159, MONDO:0007635, OMIM 136680.
Inborn genetic diseases. Identifiers: MedGen C0950123, MeSH D030342.

Submissions (2):

Ambry Genetics
Classification: Uncertain significance for Inborn genetic diseases. Last evaluated: 2026-08-19. Review status: criteria provided, single submitter. Criteria: Ambry Variant Classification Scheme 2023. Collection method: clinical testing. Allele origin: germline.
Comment: The p.V73M variant (also known as c.217G>A), located in coding exon 1 of the WT1 gene, results from a G to A substitution at nucleotide position 217. The valine at codon 73 is replaced by methionine, an amino acid with highly similar properties. This amino acid position is highly conserved in available vertebrate species. In addition, the in silico prediction for this alteration is inconclusive. Based on the available evidence, the clinical significance of this variant remains unclear.

Labcorp Genetics (formerly Invitae), Labcorp
Classification: Uncertain significance for Wilms tumor 1; Drash syndrome; 11p partial monosomy syndrome; Frasier syndrome. Last evaluated: 2025-11-10. Review status: criteria provided, single submitter. Criteria: Invitae Variant Classification Sherloc (09022015). Collection method: clinical testing. Allele origin: germline.
Comment: This sequence change replaces valine, which is neutral and non-polar, with methionine, which is neutral and non-polar, at codon 73 of the WT1 protein (p.Val73Met). This variant is not present in population databases (gnomAD no frequency). This variant has not been reported in the literature in individuals affected with WT1-related conditions. ClinVar contains an entry for this variant (Variation ID: 654910). Invitae Evidence Modeling of protein sequence and biophysical properties (such as structural, functional, and spatial information, amino acid conservation, physicochemical variation, residue mobility, and thermodynamic stability) has been performed for this missense variant. However, the output from this modeling did not meet the statistical confidence thresholds required to predict the impact of this variant on WT1 protein function. In summary, the available evidence is currently insufficient to determine the role of this variant in disease. Therefore, it has been classified as a Variant of Uncertain Significance.